The following is an entry in ClinVar:

NM_021922.3(FANCE):c.-2_13del (p.Met1_Asp5del)

Genes: FANCE (FA complementation group E; plus strand), LOC129996245 (ATAC-STARR-seq lymphoblastoid silent region 17092; plus strand). Cytogenetic location: 6p21.31.
Variant type: Deletion.
Coding change: c.-2_13del on transcript NM_021922.3 (MANE Select); 2 bases upstream of the start codon through coding-DNA position 13, 15 bases deleted (GCATGGCGACACCGG).
Protein change: p.Met1_Asp5del.
Molecular consequence: inframe deletion, initiator codon variant.
Genome position (GRCh38, 1-based): chr6:35,452,544-35,452,558, GCATGGCGACACCGG deleted; deleting any 15 consecutive bases within chr6:35,452,543-35,452,558 gives the same sequence; the c. name uses the placement nearest the transcript's 3' end. VCF-style (leftmost placement, unchanged base first): chr6-35452542-CGGCATGGCGACACCG-C. GRCh37 (hg19) VCF-style: chr6-35420319-CGGCATGGCGACACCG-C.
Identifiers: ClinVar variation 1387558 (VCV001387558.7), dbSNP rs2150885287, ClinGen allele CA2573140310.
Genomic context (GRCh38, chr6:35,452,542, plus strand): 5'-CCCTCAGCCTCTGAGCTGAGGCCCCACACCAGAGTAGGGGGCGGCGCGGCACCCGTGCCC[CGGCATGGCGACACCG>C]GACGCGGGGCTCCCTGGGGCTGAGGGCGTGGAGCCGGCGCCCTGGGCGCAGCTGGAGGCC-3'

ClinVar aggregate classification (germline): Uncertain significance. Review status: criteria provided, multiple submitters, no conflicts (2 of 4 stars). 2 submissions from 2 submitters: Uncertain significance (2). Last evaluated 2024-03-26.

Conditions:
Fanconi anemia complementation group E (FANCE). Also called: FANCE-Related Fanconi Anemia. Identifiers: Orphanet 84, MedGen C3160739, MONDO:0010953, OMIM 600901.

Submissions (2):

Fulgent Genetics
Classification: Uncertain significance for Fanconi anemia complementation group E. Last evaluated: 2024-03-26. Review status: criteria provided, single submitter. Criteria: ACMG Guidelines, 2015. Collection method: clinical testing. Allele origin: germline.

Labcorp Genetics (formerly Invitae), Labcorp
Classification: Uncertain significance for Fanconi anemia complementation group E. Last evaluated: 2021-05-26. Review status: criteria provided, single submitter. Criteria: Invitae Variant Classification Sherloc (09022015). Collection method: clinical testing. Allele origin: germline.
Comment: This sequence change affects the initiator methionine of the FANCE mRNA. The next in-frame methionine is located at codon 99. The frequency data for this variant in the population databases is considered unreliable, as metrics indicate insufficient coverage at this position in the ExAC database. This variant has not been reported in the literature in individuals with FANCE-related conditions. Experimental studies and prediction algorithms are not available or were not evaluated, and the functional significance of this variant is currently unknown. This variant disrupts the initiator methionine in FANCE. If translation initiates from the next in-frame methionine, the FANCE protein would no longer include the region containing the p.Pro91 amino acid residue. Other variant(s) that disrupt this residue have been observed in individuals with FANCE-related conditions (PMID: 32487094), which suggests that this residue is clinically significant, and that variants that disrupt this residue are likely to be disease-causing. In summary, the available evidence is currently insufficient to determine the role of this variant in disease. Therefore, it has been classified as a Variant of Uncertain Significance.

Literature cited by the submitters: PubMed 32487094 (cited by Labcorp Genetics (formerly Invitae), Labcorp).